The following is an entry in ClinVar:

NM_000100.4(CSTB):c.172C>T (p.His58Tyr)

Gene: CSTB (cystatin B; minus strand). Cytogenetic location: 21q22.3.
Variant type: single nucleotide variant.
Coding change: c.172C>T on transcript NM_000100.4 (MANE Select); coding-DNA position 172, C replaced by T.
Protein change: p.His58Tyr; replaces histidine 58 with tyrosine.
Molecular consequence: missense variant.
Genome position (GRCh38, 1-based): chr21:43,774,327, G>A on the plus strand (C>T on the coding strand, the complement: CSTB is on the minus strand). VCF-style: chr21-43774327-G-A. GRCh37 (hg19) VCF-style: chr21-45194208-G-A.
Other names: c.172C>T (NM_000100.2); short protein forms H58Y.
Identifiers: ClinVar variation 1021172 (VCV001021172.9), dbSNP rs2083999686, ClinGen allele CA410408064.
Genomic context (GRCh38, chr21:43,774,327, plus strand): 5'-TGTTTTCATGAGGGAGAGATTGGAACACTCGCAGGTGTACGAAGTCCTCGTCGCCGACGT[G>A]CACCTGGGAAGAGAGCGGAGTGAGCGAAGCCTCTGATCCCAAGTCACCTTGCTGCGCCCC-3'
Protein context (NP_000091.1, residues 48-68): VAGTNYFIKV[His58Tyr]VGDEDFVHLR

ClinVar aggregate classification (germline): Uncertain significance. Review status: criteria provided, multiple submitters, no conflicts (2 of 4 stars). 2 submissions from 2 submitters: Uncertain significance (2). Last evaluated 2025-08-21.

Conditions:
Progressive myoclonic epilepsy. Also called: Myoclonus epilepsy; Familial progressive myoclonic epilepsy; Myoclonic Epilepsies, Progressive; Progressive myoclonus epilepsy. Identifiers: Orphanet 308, Orphanet 98261, MedGen C0751778, MONDO:0020074.
Inborn genetic diseases. Identifiers: MedGen C0950123, MeSH D030342.

Submissions (2):

Ambry Genetics
Classification: Uncertain significance for Inborn genetic diseases. Last evaluated: 2025-08-21. Review status: criteria provided, single submitter. Criteria: Ambry Variant Classification Scheme 2023. Collection method: clinical testing. Allele origin: germline.

Labcorp Genetics (formerly Invitae), Labcorp
Classification: Uncertain significance for Progressive myoclonic epilepsy. Last evaluated: 2020-03-20. Review status: criteria provided, single submitter. Criteria: Invitae Variant Classification Sherloc (09022015). Collection method: clinical testing. Allele origin: germline.
Comment: Algorithms developed to predict the effect of missense changes on protein structure and function (SIFT, PolyPhen-2, Align-GVGD) all suggest that this variant is likely to be tolerated, but these predictions have not been confirmed by published functional studies and their clinical significance is uncertain. In summary, the available evidence is currently insufficient to determine the role of this variant in disease. Therefore, it has been classified as a Variant of Uncertain Significance. Algorithms developed to predict the effect of sequence changes on RNA splicing suggest that this variant may create or strengthen a splice site, but this prediction has not been confirmed by published transcriptional studies. This variant has not been reported in the literature in individuals with CSTB-related conditions. This variant is not present in population databases (ExAC no frequency). This sequence change replaces histidine with tyrosine at codon 58 of the CSTB protein (p.His58Tyr). The histidine residue is moderately conserved and there is a moderate physicochemical difference between histidine and tyrosine.